The following is an entry in ClinVar:

ClinVar aggregate classification (germline): Likely benign (1 of 4 stars; one submission).

Allele frequency attached by ClinVar (database versions not stated): gnomAD exomes below 0.00001; gnomAD 0.00001; TOPMed 0.00001.
gnomAD v4.1: 7 of 1,550,938 alleles (0.00045%); highest among the groups gnomAD compares: Non-Finnish European, 0.00052%; no homozygotes.

Submission:

CeGaT Center for Human Genetics Tuebingen
Classification: Likely benign. Last evaluated: 2023-08-01. Review status: criteria provided, single submitter. Criteria: CeGaT Center For Human Genetics Tuebingen Variant Classification Criteria Version 2. Collection method: clinical testing. Allele origin: germline. Affected: yes. Observed: 1 variant allele.
Comment: FBRS: BP4, BP7

NM_001105079.3(FBRS):c.426C>T (p.Ala142=)

Gene: FBRS (fibrosin; plus strand). Cytogenetic location: 16p11.2.
Variant type: single nucleotide variant.
Coding change: c.426C>T on transcript NM_001105079.3 (MANE Select); coding-DNA position 426, C replaced by T.
Protein change: p.Ala142=; no amino-acid change (alanine 142 retained).
Molecular consequence: synonymous variant.
Genome position (GRCh38, 1-based): chr16:30,659,944, C>T. VCF-style: chr16-30659944-C-T. GRCh37 (hg19) VCF-style: chr16-30671265-C-T.
Identifiers: ClinVar variation 2646385 (VCV002646385.24), dbSNP rs1216452786, ClinGen allele CA494906157.